The following is an entry in ClinVar:

NM_014319.5(LEMD3):c.999C>A (p.Asn333Lys)

Gene: LEMD3 (LEM domain containing 3; plus strand). Cytogenetic location: 12q14.3.
Variant type: single nucleotide variant.
Coding change: c.999C>A on transcript NM_014319.5 (MANE Select); coding-DNA position 999, C replaced by A.
Protein change: p.Asn333Lys; replaces asparagine 333 with lysine.
Molecular consequence: missense variant.
Genome position (GRCh38, 1-based): chr12:65,170,595, C>A. VCF-style: chr12-65170595-C-A. GRCh37 (hg19) VCF-style: chr12-65564375-C-A.
Other names: c.999C>A, p.Asn333Lys (NM_001167614.2); short protein forms N333K.
Identifiers: ClinVar variation 3685489 (VCV003685489.2).

ClinVar aggregate classification (germline): Uncertain significance (1 of 4 stars; one submission).

gnomAD v4.1: 1 of 1,614,044 alleles (0.000062%); highest among the groups gnomAD compares: Non-Finnish European, 0.000085%; no homozygotes.

Submission:

Labcorp Genetics (formerly Invitae), Labcorp
Classification: Uncertain significance. Last evaluated: 2025-10-13. Review status: criteria provided, single submitter. Criteria: Invitae Variant Classification Sherloc (09022015). Collection method: clinical testing. Allele origin: germline.
Comment: This sequence change replaces asparagine, which is neutral and polar, with lysine, which is basic and polar, at codon 333 of the LEMD3 protein (p.Asn333Lys). This variant is not present in population databases (gnomAD no frequency). This variant has not been reported in the literature in individuals affected with LEMD3-related conditions. ClinVar contains an entry for this variant (Variation ID: 3685489). Invitae Evidence Modeling of protein sequence and biophysical properties (such as structural, functional, and spatial information, amino acid conservation, physicochemical variation, residue mobility, and thermodynamic stability) indicates that this missense variant is not expected to disrupt LEMD3 protein function with a negative predictive value of 80%. In summary, the available evidence is currently insufficient to determine the role of this variant in disease. Therefore, it has been classified as a Variant of Uncertain Significance.